The following is an entry in ClinVar:

ClinVar aggregate classification (germline): Benign/Likely benign. Review status: criteria provided, multiple submitters, no conflicts (2 of 4 stars). 5 submissions from 5 submitters: Benign (1); Likely benign (4). Last evaluated 2025-09-23.

Conditions:
Hereditary cancer-predisposing syndrome. Also called: Neoplastic Syndromes, Hereditary; Hereditary neoplastic syndrome; Tumor predisposition; Hereditary Cancer Syndrome. Identifiers: Orphanet 140162, MedGen C0027672, MeSH D009386, MONDO:0015356.
Familial cancer of breast. Also called: hereditary breast carcinoma; Hereditary breast cancer; BREAST CANCER, FAMILIAL. Identifiers: Orphanet 227535, MedGen C0346153, MONDO:0016419, OMIM 114480. Disease mechanism: loss of function.
Ataxia-telangiectasia syndrome (AT). Also called: Ataxia telangiectasia (A-T); Cerebello-oculocutaneous telangiectasia; Immunodeficiency with ataxia telangiectasia; LOUIS-BAR SYNDROME; AT, COMPLEMENTATION GROUP C; ATAXIA-TELANGIECTASIA, FRESNO VARIANT. Identifiers: Orphanet 100, MedGen C0004135, MONDO:0008840, OMIM 208900.

Allele frequency attached by ClinVar (database versions not stated): gnomAD exomes below 0.00001.
gnomAD v4.1: 2 of 1,608,948 alleles (0.00012%); highest among the groups gnomAD compares: South Asian, 0.0011%; no homozygotes.

Submissions (5):

Labcorp Genetics (formerly Invitae), Labcorp
Classification: Likely benign for Ataxia-telangiectasia syndrome. Last evaluated: 2025-09-23. Review status: criteria provided, single submitter. Criteria: Invitae Variant Classification Sherloc (09022015). Collection method: clinical testing. Allele origin: germline.

Myriad Genetics, Inc.
Classification: Benign for Familial cancer of breast. Last evaluated: 2024-06-07. Review status: criteria provided, single submitter. Criteria: Myriad Autosomal Dominant, Autosomal Recessive and X-Linked Classification Criteria (2023). Collection method: clinical testing. Allele origin: unknown.
Comment: This variant is considered benign. This variant is a silent/synonymous amino acid change and it is not expected to impact splicing.

Color Diagnostics, LLC DBA Color Health
Classification: Likely benign for Hereditary cancer-predisposing syndrome. Last evaluated: 2019-06-13. Review status: criteria provided, single submitter. Criteria: ACMG Guidelines, 2015. Collection method: clinical testing. Allele origin: germline.

GeneDx
Classification: Likely benign. Last evaluated: 2019-06-03. Review status: criteria provided, single submitter. Criteria: GeneDx Variant Classification Process June 2021. Collection method: clinical testing. Allele origin: germline. Affected: yes.

Ambry Genetics
Classification: Likely benign for Hereditary cancer-predisposing syndrome. Last evaluated: 2015-06-25. Review status: criteria provided, single submitter. Criteria: Ambry Variant Classification Scheme 2023. Collection method: clinical testing. Allele origin: germline.

NM_000051.4(ATM):c.6591A>G (p.Gln2197=)

Genes: ATM (ATM serine/threonine kinase; plus strand), C11orf65 (chromosome 11 open reading frame 65; minus strand). Cytogenetic location: 11q22.3.
Variant type: single nucleotide variant.
Coding change: c.6591A>G on transcript NM_000051.4 (MANE Select); coding-DNA position 6591, A replaced by G.
Protein change: p.Gln2197=; no amino-acid change (glutamine 2197 retained).
Molecular consequence: synonymous variant. On other transcripts: intron variant (2).
Genome position (GRCh38, 1-based): chr11:108,325,328, A>G. VCF-style: chr11-108325328-A-G. GRCh37 (hg19) VCF-style: chr11-108196055-A-G.
Other names: c.6591A>G, p.Gln2197= (NM_001351834.2); c.641-16257T>C (NM_001330368.2); c.*38+9892T>C (NM_001351110.2).
Identifiers: ClinVar variation 215590 (VCV000215590.21), dbSNP rs863224296, ClinGen allele CA339236.